The following is an entry in ClinVar:

ClinVar aggregate classification (germline): Benign/Likely benign. Review status: criteria provided, multiple submitters, no conflicts (2 of 4 stars). 3 submissions from 2 submitters: Benign (1); Likely benign (2). Last evaluated 2026-02-02.

Conditions:
Corneal dystrophy. Identifiers: Orphanet 34533, MedGen C0010036, MONDO:0018102, HP:0001131.
Bietti crystalline corneoretinal dystrophy (BCD). Also called: Bietti Crystalline Dystrophy; BIETTI TAPETORETINAL DEGENERATION WITH MARGINAL CORNEAL DYSTROPHY. Identifiers: Orphanet 41751, MedGen C1859486, MONDO:0008865, OMIM 210370.

Allele frequency attached by ClinVar (database versions not stated): gnomAD exomes 0.00107 and 0.00293; ExAC 0.00392; gnomAD 0.01139 and 0.01211; TOPMed 0.01258; ESP Exome Variant Server 0.01338; 1000 Genomes Project 0.01358; 1000 Genomes Project 30x 0.01499.
gnomAD v4.1: 3,349 of 1,614,224 alleles (0.21%); highest among the groups gnomAD compares: African/African-American, 4%; 64 homozygotes.

Submissions (3):

Labcorp Genetics (formerly Invitae), Labcorp
Classification: Benign. Last evaluated: 2026-02-02. Review status: criteria provided, single submitter. Criteria: Invitae Variant Classification Sherloc (09022015). Collection method: clinical testing. Allele origin: germline.

Illumina Laboratory Services, Illumina
Classification: Likely benign for Corneal dystrophy. Last evaluated: 2017-04-27. Review status: criteria provided, single submitter. Criteria: ICSL Variant Classification Criteria 13 December 2019. Collection method: clinical testing. Allele origin: germline.
Comment: This variant was observed as part of a predisposition screen in an ostensibly healthy population. A literature search was performed for the gene, cDNA change, and amino acid change (where applicable). No publications were found based on this search. Allele frequency data from public databases allowed determination this variant is unlikely to cause disease. Therefore, this variant is classified as likely benign.

Illumina Laboratory Services, Illumina
Classification: Likely benign for Bietti crystalline corneoretinal dystrophy. Last evaluated: 2017-04-27. Review status: criteria provided, single submitter. Criteria: ICSL Variant Classification Criteria 13 December 2019. Collection method: clinical testing. Allele origin: germline.
Comment: the same text as in the submission from Illumina Laboratory Services, Illumina above.

NM_207352.4(CYP4V2):c.1091-4T>A

Gene: CYP4V2 (cytochrome P450 family 4 subfamily V member 2; plus strand). Cytogenetic location: 4q35.2.
Variant type: single nucleotide variant.
Coding change: c.1091-4T>A on transcript NM_207352.4 (MANE Select); 4 bases into the intron before coding-DNA position 1091, T replaced by A.
Molecular consequence: intron variant.
Genome position (GRCh38, 1-based): chr4:186,208,861, T>A. VCF-style: chr4-186208861-T-A. GRCh37 (hg19) VCF-style: chr4-187130015-T-A.
Identifiers: ClinVar variation 348309 (VCV000348309.15), dbSNP rs61748269, ClinGen allele CA3162758.